The following is an entry in ClinVar:

NM_001142800.2(EYS):c.6602T>C (p.Leu2201Pro)

Gene: EYS (EGF-like photoreceptor maintenance factor; minus strand). Cytogenetic location: 6q12.
Variant type: single nucleotide variant.
Coding change: c.6602T>C on transcript NM_001142800.2 (MANE Select); coding-DNA position 6602, T replaced by C.
Protein change: p.Leu2201Pro; replaces leucine 2201 with proline.
Molecular consequence: missense variant.
Genome position (GRCh38, 1-based): chr6:64,066,461, A>G on the plus strand (T>C on the coding strand, the complement: EYS is on the minus strand). VCF-style: chr6-64066461-A-G. GRCh37 (hg19) VCF-style: chr6-64776354-A-G.
Other names: c.6602T>C, p.Leu2201Pro (NM_001292009.2); short protein forms L2201P.
Identifiers: ClinVar variation 1053000 (VCV001053000.15), dbSNP rs2149855751, ClinGen allele CA364389901.

ClinVar aggregate classification (germline): Uncertain significance. Review status: criteria provided, multiple submitters, no conflicts (2 of 4 stars). 4 submissions from 4 submitters: Uncertain significance (3). 1 of the submissions does not count toward it. Last evaluated 2023-10-03.

Conditions:
Retinitis pigmentosa 25 (RP25). Identifiers: Orphanet 791, MedGen C1864446, MONDO:0011272, OMIM 602772.

gnomAD v4.1: 4 of 1,545,612 alleles (0.00026%); highest among the groups gnomAD compares: Non-Finnish European, 0.00026%; no homozygotes.

Submissions (4):

Labcorp Genetics (formerly Invitae), Labcorp
Classification: Uncertain significance. Last evaluated: 2023-10-03. Review status: criteria provided, single submitter. Criteria: Invitae Variant Classification Sherloc (09022015). Collection method: clinical testing. Allele origin: germline.
Comment: This sequence change replaces leucine, which is neutral and non-polar, with proline, which is neutral and non-polar, at codon 2201 of the EYS protein (p.Leu2201Pro). This variant is not present in population databases (gnomAD no frequency). This variant has not been reported in the literature in individuals affected with EYS-related conditions. ClinVar contains an entry for this variant (Variation ID: 1053000). Algorithms developed to predict the effect of missense changes on protein structure and function output the following: SIFT: "Not Available"; PolyPhen-2: "Possibly Damaging"; Align-GVGD: "Not Available". The proline amino acid residue is found in multiple mammalian species, which suggests that this missense change does not adversely affect protein function. In summary, the available evidence is currently insufficient to determine the role of this variant in disease. Therefore, it has been classified as a Variant of Uncertain Significance.

DBGen Ocular Genomics
Classification: Uncertain significance for Retinitis pigmentosa 25. Last evaluated: 2021-06-07. Review status: criteria provided, single submitter. Criteria: ACMG Guidelines, 2015. Collection method: clinical testing. Allele origin: germline. Affected: yes. Observed: 1 variant allele.

Blueprint Genetics
Classification: Uncertain significance. Last evaluated: 2019-08-27. Review status: criteria provided, single submitter. Criteria: ACMG Guidelines, 2015. Collection method: clinical testing. Allele origin: germline.

Natera, Inc.
Classification: Uncertain significance for Retinitis pigmentosa type 25. Last evaluated: 2021-02-10. Review status: no assertion criteria provided. Collection method: clinical testing. Allele origin: germline. Not counted in ClinVar's aggregate classification.